The following is an entry in ClinVar:

NM_000487.6(ARSA):c.1390C>T (p.Leu464Phe)

Gene: ARSA (arylsulfatase A; minus strand). Cytogenetic location: 22q13.33.
Variant type: single nucleotide variant.
Coding change: c.1390C>T on transcript NM_000487.6 (MANE Select); coding-DNA position 1390, C replaced by T.
Protein change: p.Leu464Phe; replaces leucine 464 with phenylalanine.
Molecular consequence: missense variant.
Genome position (GRCh38, 1-based): chr22:50,625,285, G>A on the plus strand (C>T on the coding strand, the complement: ARSA is on the minus strand). VCF-style: chr22-50625285-G-A. GRCh37 (hg19) VCF-style: chr22-51063713-G-A.
Other names: c.1390C>T, p.Leu464Phe (NM_001085427.3, NM_001085425.3, NM_001085426.3); c.1132C>T, p.Leu378Phe (NM_001085428.3, NM_001362782.2); c.1390C>T (NM_000487.5); short protein forms L464F, L378F.
Identifiers: ClinVar variation 1475102 (VCV001475102.4), dbSNP rs2146716030, ClinGen allele CA412167960.
Genomic context (GRCh38, chr22:50,625,285, plus strand): 5'-CCTCGCCCCGGGCCACCTGGCTGGGGCCGAAGGTCACAGCTGCGTCTAACTGGGCCTTGA[G>A]CAGCTGAAGCTGTTTCAGGGCTTGCAGCACCTCTGGGGTGGCCCCGGCCACACCCCCCAG-3'
Protein context (NP_000478.3, residues 454-474): VLQALKQLQL[Leu464Phe]KAQLDAAVTF

ClinVar aggregate classification (germline): Uncertain significance. Review status: criteria provided, single submitter (1 of 4 stars). 2 submissions from 2 submitters: Uncertain significance (1). 1 of the submissions does not count toward it. Last evaluated 2021-11-22.

Conditions:
Metachromatic leukodystrophy (MLD). Also called: Arylsulfatase A Deficiency; Cerebral sclerosis diffuse metachromatic form; ARSA DEFICIENCY; CEREBROSIDE SULFATASE DEFICIENCY; METACHROMATIC LEUKOENCEPHALOPATHY; SULFATIDE LIPIDOSIS. Identifiers: Orphanet 512, MedGen C0023522, MONDO:0018868, OMIM 250100.

Submissions (2):

Labcorp Genetics (formerly Invitae), Labcorp
Classification: Uncertain significance for Metachromatic leukodystrophy. Last evaluated: 2021-11-22. Review status: criteria provided, single submitter. Criteria: Invitae Variant Classification Sherloc (09022015). Collection method: clinical testing. Allele origin: germline.
Comment: This sequence change replaces leucine, which is neutral and non-polar, with phenylalanine, which is neutral and non-polar, at codon 464 of the ARSA protein (p.Leu464Phe). This variant is not present in population databases (gnomAD no frequency). This variant has not been reported in the literature in individuals affected with ARSA-related conditions. Algorithms developed to predict the effect of missense changes on protein structure and function are either unavailable or do not agree on the potential impact of this missense change (SIFT: "Tolerated"; PolyPhen-2: "Possibly Damaging"; Align-GVGD: "Class C0"). In summary, the available evidence is currently insufficient to determine the role of this variant in disease. Therefore, it has been classified as a Variant of Uncertain Significance.

Natera, Inc.
Classification: Uncertain significance for Metachromatic leukodystrophy. Last evaluated: 2025-05-30. Review status: no assertion criteria provided. Collection method: clinical testing. Allele origin: germline. Not counted in ClinVar's aggregate classification.